The following is an entry in ClinVar:

NM_006206.6(PDGFRA):c.2532G>A (p.Met844Ile)

Gene: PDGFRA (platelet derived growth factor receptor alpha; plus strand). Cytogenetic location: 4q12.
Variant type: single nucleotide variant.
Coding change: c.2532G>A on transcript NM_006206.6 (MANE Select); coding-DNA position 2532, G replaced by A.
Protein change: p.Met844Ile; replaces methionine 844 with isoleucine.
Molecular consequence: missense variant.
Genome position (GRCh38, 1-based): chr4:54,285,933, G>A. VCF-style: chr4-54285933-G-A. GRCh37 (hg19) VCF-style: chr4-55152100-G-A.
Other names: c.2607G>A, p.Met869Ile (NM_001347828.2); c.2532G>A, p.Met844Ile (NM_001347829.2); c.2571G>A, p.Met857Ile (NM_001347830.2); short protein forms M869I, M857I, M844I.
Identifiers: ClinVar variation 2161918 (VCV002161918.5), dbSNP rs1035200422, ClinGen allele CA96866798.
Genomic context (GRCh38, chr4:54,285,933, plus strand): 5'-CCTCCTGGCACAAGGAAAAATTGTGAAGATCTGTGACTTTGGCCTGGCCAGAGACATCAT[G>A]CATGATTCGAACTATGTGTCGAAAGGCAGTGTACGTCCTCACTTCCCTCACTGGTCAGGC-3'
Protein context (NP_006197.1, residues 834-854): ICDFGLARDI[Met844Ile]HDSNYVSKGS

ClinVar aggregate classification (germline): Uncertain significance. Review status: criteria provided, multiple submitters, no conflicts (2 of 4 stars). 2 submissions from 2 submitters: Uncertain significance (2). Last evaluated 2024-07-29.

Conditions:
Hereditary cancer-predisposing syndrome. Also called: Hereditary Cancer Syndrome; Hereditary neoplastic syndrome; Neoplastic Syndromes, Hereditary; Tumor predisposition. Identifiers: Orphanet 140162, MedGen C0027672, MeSH D009386, MONDO:0015356.
Gastrointestinal stromal tumor. Also called: Gastrointestinal stroma tumor; Gastrointestinal stromal tumor, somatic. Identifiers: Orphanet 44890, MedGen C0238198, MeSH D046152, MONDO:0011719, OMIM 606764, HP:0100723.

Submissions (2):

Ambry Genetics
Classification: Uncertain significance for Hereditary cancer-predisposing syndrome. Last evaluated: 2024-07-29. Review status: criteria provided, single submitter. Criteria: Ambry Variant Classification Scheme 2023. Collection method: clinical testing. Allele origin: germline.
Comment: The p.M844I variant (also known as c.2532G>A), located in coding exon 17 of the PDGFRA gene, results from a G to A substitution at nucleotide position 2532. The methionine at codon 844 is replaced by isoleucine, an amino acid with highly similar properties. This amino acid position is highly conserved in available vertebrate species. In addition, this alteration is predicted to be deleterious by in silico analysis. Based on the available evidence, the clinical significance of this variant remains unclear.

Labcorp Genetics (formerly Invitae), Labcorp
Classification: Uncertain significance for Gastrointestinal stromal tumor. Last evaluated: 2023-11-04. Review status: criteria provided, single submitter. Criteria: Invitae Variant Classification Sherloc (09022015). Collection method: clinical testing. Allele origin: germline.
Comment: This sequence change replaces methionine, which is neutral and non-polar, with isoleucine, which is neutral and non-polar, at codon 844 of the PDGFRA protein (p.Met844Ile). This variant is not present in population databases (gnomAD no frequency). This variant has not been reported in the literature in individuals affected with PDGFRA-related conditions. ClinVar contains an entry for this variant (Variation ID: 2161918). Advanced modeling of protein sequence and biophysical properties (such as structural, functional, and spatial information, amino acid conservation, physicochemical variation, residue mobility, and thermodynamic stability) performed at Invitae indicates that this missense variant is not expected to disrupt PDGFRA protein function with a negative predictive value of 80%. In summary, the available evidence is currently insufficient to determine the role of this variant in disease. Therefore, it has been classified as a Variant of Uncertain Significance.